The following is an entry in ClinVar:

NM_005732.4(RAD50):c.3835C>T (p.Arg1279Cys)

Genes: RAD50 (RAD50 double strand break repair protein; plus strand), TH2LCRR (T helper type 2 locus control region associated RNA; minus strand). Cytogenetic location: 5q31.1.
Variant type: single nucleotide variant.
Coding change: c.3835C>T on transcript NM_005732.4 (MANE Select); coding-DNA position 3835, C replaced by T.
Protein change: p.Arg1279Cys; replaces arginine 1279 with cysteine.
Molecular consequence: missense variant. On other transcripts: non-coding transcript variant (1).
Genome position (GRCh38, 1-based): chr5:132,642,260, C>T. VCF-style: chr5-132642260-C-T. GRCh37 (hg19) VCF-style: chr5-131977952-C-T.
Other names: short protein forms R1279C.
Identifiers: ClinVar variation 184946 (VCV000184946.16), dbSNP rs786201810, ClinGen allele CA190553.

ClinVar aggregate classification (germline): Uncertain significance. Review status: criteria provided, multiple submitters, no conflicts (2 of 4 stars). 3 submissions from 3 submitters: Uncertain significance (3). Last evaluated 2024-12-17.

Conditions:
Hereditary cancer-predisposing syndrome. Also called: Hereditary neoplastic syndrome; Neoplastic Syndromes, Hereditary; Tumor predisposition; Hereditary Cancer Syndrome. Identifiers: Orphanet 140162, MedGen C0027672, MeSH D009386, MONDO:0015356.
Nijmegen breakage syndrome-like disorder (NBSLD). Also called: MICROCEPHALY AND SPONTANEOUS CHROMOSOME INSTABILITY WITHOUT IMMUNODEFICIENCY; NBS-LIKE DISORDER; RAD50 DEFICIENCY. Identifiers: Orphanet 240760, MedGen C2751318, MONDO:0013118, OMIM 613078.

Allele frequency attached by ClinVar (database versions not stated): gnomAD 0.00001; gnomAD exomes 0.00001; TOPMed 0.00001.
gnomAD v4.1: 22 of 1,613,766 alleles (0.0014%); highest among the groups gnomAD compares: Non-Finnish European, 0.0017%; no homozygotes.

Submissions (3):

Labcorp Genetics (formerly Invitae), Labcorp
Classification: Uncertain significance for Hereditary cancer-predisposing syndrome. Last evaluated: 2024-12-17. Review status: criteria provided, single submitter. Criteria: Invitae Variant Classification Sherloc (09022015). Collection method: clinical testing. Allele origin: germline.
Comment: This sequence change replaces arginine, which is basic and polar, with cysteine, which is neutral and slightly polar, at codon 1279 of the RAD50 protein (p.Arg1279Cys). This variant is present in population databases (rs786201810, gnomAD 0.006%). This variant has not been reported in the literature in individuals affected with RAD50-related conditions. ClinVar contains an entry for this variant (Variation ID: 184946). Invitae Evidence Modeling of protein sequence and biophysical properties (such as structural, functional, and spatial information, amino acid conservation, physicochemical variation, residue mobility, and thermodynamic stability) has been performed for this missense variant. However, the output from this modeling did not meet the statistical confidence thresholds required to predict the impact of this variant on RAD50 protein function. In summary, the available evidence is currently insufficient to determine the role of this variant in disease. Therefore, it has been classified as a Variant of Uncertain Significance.

Ambry Genetics
Classification: Uncertain significance for Hereditary cancer-predisposing syndrome. Last evaluated: 2024-11-05. Review status: criteria provided, single submitter. Criteria: Ambry Variant Classification Scheme 2023. Collection method: clinical testing. Allele origin: germline.
Comment: The p.R1279C variant (also known as c.3835C>T), located in coding exon 25 of the RAD50 gene, results from a C to T substitution at nucleotide position 3835. The arginine at codon 1279 is replaced by cysteine, an amino acid with highly dissimilar properties. Based on protein sequence alignment, this amino acid position is highly conserved in available vertebrate species. In addition, this alteration is predicted to be deleterious by in silico analysis. Since supporting evidence is limited at this time, the clinical significance of this alteration remains unclear.

Baylor Genetics
Classification: Uncertain significance for Nijmegen breakage syndrome-like disorder. Last evaluated: 2023-09-07. Review status: criteria provided, single submitter. Criteria: ACMG Guidelines, 2015. Collection method: clinical testing. Allele origin: unknown.